The following is an entry in ClinVar:

ClinVar aggregate classification (germline): Uncertain significance. Review status: criteria provided, multiple submitters, no conflicts (2 of 4 stars). 3 submissions from 3 submitters: Uncertain significance (2). 1 of the submissions does not count toward it. Last evaluated 2022-09-14.

Conditions:
Inborn genetic diseases. Identifiers: MedGen C0950123, MeSH D030342.
Prostate cancer. Also called: Malignant tumor of prostate. Identifiers: Orphanet 1331, MedGen C0376358, MONDO:0008315, HP:0012125.

Allele frequency attached by ClinVar (database versions not stated): TOPMed below 0.00001; gnomAD exomes 0.00001; ExAC 0.00001.
gnomAD v4.1: 4 of 1,614,044 alleles (0.00025%); highest among the groups gnomAD compares: Admixed American, 0.0067%; no homozygotes.

Submissions (3):

Ambry Genetics
Classification: Uncertain significance for Inborn genetic diseases. Last evaluated: 2022-09-14. Review status: criteria provided, single submitter. Criteria: Ambry Variant Classification Scheme 2023. Collection method: clinical testing. Allele origin: germline.

Breakthrough Genomics
Classification: Uncertain significance. Review status: criteria provided, single submitter. Criteria: ACMG Guidelines, 2015. Collection method: not provided. Allele origin: germline. Inheritance: Autosomal recessive inheritance. Affected: yes.

Science for Life laboratory,  Karolinska Institutet
Classification: Uncertain significance for Malignant tumor of prostate. Review status: no assertion criteria provided. Collection method: not provided. Allele origin: somatic. Not counted in ClinVar's aggregate classification.
Comment: TumorID:SWE-1
ClinVar note: Converted during submission from Unknown to Uncertain significance.

NM_016247.4(IMPG2):c.1265C>T (p.Pro422Leu)

Gene: IMPG2 (interphotoreceptor matrix proteoglycan 2; minus strand). Cytogenetic location: 3q12.3.
Variant type: single nucleotide variant.
Coding change: c.1265C>T on transcript NM_016247.4 (MANE Select); coding-DNA position 1265, C replaced by T.
Protein change: p.Pro422Leu; replaces proline 422 with leucine.
Molecular consequence: missense variant.
Genome position (GRCh38, 1-based): chr3:101,246,080, G>A on the plus strand (C>T on the coding strand, the complement: IMPG2 is on the minus strand). VCF-style: chr3-101246080-G-A. GRCh37 (hg19) VCF-style: chr3-100964924-G-A.
Other names: short protein forms P422L.
Identifiers: ClinVar variation 161700 (VCV000161700.6), dbSNP rs193920760, ClinGen allele CA174621.